The following is an entry in ClinVar:

ClinVar aggregate classification (germline): Uncertain significance (1 of 4 stars; one submission).

gnomAD v4.1: 123 of 1,597,414 alleles (0.0077%); highest among the groups gnomAD compares: Non-Finnish European, 0.01%; no homozygotes.

Submission:

GeneDx
Classification: Uncertain significance. Last evaluated: 2024-08-12. Review status: criteria provided, single submitter. Criteria: GeneDx Variant Classification Process June 2021. Collection method: clinical testing. Allele origin: germline. Affected: yes.
Comment: Not observed at significant frequency in large population cohorts (gnomAD); In silico analysis supports that this missense variant has a deleterious effect on protein structure/function; Has not been previously published as pathogenic or benign to our knowledge

NM_020117.11(LARS1):c.2441A>G (p.Lys814Arg)

Gene: LARS1 (leucyl-tRNA synthetase 1; minus strand). Cytogenetic location: 5q32.
Variant type: single nucleotide variant.
Coding change: c.2441A>G on transcript NM_020117.11 (MANE Select); coding-DNA position 2441, A replaced by G.
Protein change: p.Lys814Arg; replaces lysine 814 with arginine.
Molecular consequence: missense variant.
Genome position (GRCh38, 1-based): chr5:146,131,065, T>C on the plus strand (A>G on the coding strand, the complement: LARS1 is on the minus strand). VCF-style: chr5-146131065-T-C. GRCh37 (hg19) VCF-style: chr5-145510628-T-C.
Other names: c.2303A>G, p.Lys768Arg (NM_001317964.2); c.2279A>G, p.Lys760Arg (NM_001317965.2); c.2360A>G, p.Lys787Arg (NM_016460.4); short protein forms K787R, K814R, K760R, K768R.
Identifiers: ClinVar variation 3730936 (VCV003730936.1).